The following is an entry in ClinVar:

Conditions:
Breast-ovarian cancer, familial, susceptibility to, 1 (BROVCA1). Also called: BRCA1 Hereditary Breast and Ovarian Cancer; OVARIAN CANCER, SUSCEPTIBILITY TO. Identifiers: Orphanet 145, MedGen C2676676, MONDO:0011450, OMIM 604370. Disease mechanism: loss of function.

Allele frequency attached by ClinVar (database versions not stated): gnomAD exomes below 0.00001.

Submission:

Brotman Baty Institute, University of Washington
No classification provided (evidence only). Condition: Breast-ovarian cancer, familial 1. Review status: no classification provided. Collection method: in vitro. Allele origin: not applicable. Functional consequence: functionally_normal.
ClinVar note: "not provided" was previously submitted as the classification for the variant. However, the classification appeared to be based only on an observation of functional data so it was converted to no classification on 2025-07-30.

NM_007294.4(BRCA1):c.135A>G (p.Lys45=)

Gene: BRCA1 (BRCA1 DNA repair associated; minus strand). Cytogenetic location: 17q21.31.
Variant type: single nucleotide variant.
Coding change: c.135A>G on transcript NM_007294.4 (MANE Select); coding-DNA position 135, A replaced by G.
Protein change: p.Lys45=; no amino-acid change (lysine 45 retained).
Molecular consequence: synonymous variant. On other transcripts: 5 prime UTR variant (163), intron variant (34).
Genome position (GRCh38, 1-based): chr17:43,106,533, T>C on the plus strand (A>G on the coding strand, the complement: BRCA1 is on the minus strand). VCF-style: chr17-43106533-T-C. GRCh37 (hg19) VCF-style: chr17-41258550-T-C.
Other names: c.135A>G, p.Lys45= (NM_001407622.1, NM_001407623.1, NM_001407624.1 and 168 more transcripts); c.-7A>G (NM_001407692.1, NM_001407694.1, NM_001407695.1 and 99 more transcripts); c.-54A>G (NM_001407853.1, NM_001407879.1, NM_001407881.1 and 58 more transcripts); c.-218-11673A>G (NM_001407967.1, NM_001407966.1); c.-169-1577A>G (NM_001407959.1, NM_001407962.1, NM_001408512.1 and 4 more transcripts); c.81-1577A>G (NM_001408451.1); c.135-1577A>G (NM_001408475.1, NM_001407875.1, NM_001407659.1 and 21 more transcripts).
Identifiers: ClinVar variation 867875 (VCV000867875.3), dbSNP rs80356883, ClinGen allele CA500128254.